The following is an entry in ClinVar:

ClinVar aggregate classification (germline): Uncertain significance (1 of 4 stars; one submission).

Submission:

Ambry Genetics
Classification: Uncertain significance. Last evaluated: 2023-03-03. Review status: criteria provided, single submitter. Criteria: Ambry Variant Classification Scheme 2023. Collection method: clinical testing. Allele origin: germline.
Comment: The p.E351A variant (also known as c.1052A>C), located in coding exon 1 of the MLH3 gene, results from an A to C substitution at nucleotide position 1052. The glutamic acid at codon 351 is replaced by alanine, an amino acid with dissimilar properties. This amino acid position is conserved. In addition, this alteration is predicted to be deleterious by in silico analysis. Since supporting evidence is limited at this time, the clinical significance of this alteration remains unclear.

NM_001040108.2(MLH3):c.1052A>C (p.Glu351Ala)

Gene: MLH3 (mutL homolog 3; minus strand). Cytogenetic location: 14q24.3.
Variant type: single nucleotide variant.
Coding change: c.1052A>C on transcript NM_001040108.2 (MANE Select); coding-DNA position 1052, A replaced by C.
Protein change: p.Glu351Ala; replaces glutamic acid 351 with alanine.
Molecular consequence: missense variant.
Genome position (GRCh38, 1-based): chr14:75,048,604, T>G on the plus strand (A>C on the coding strand, the complement: MLH3 is on the minus strand). VCF-style: chr14-75048604-T-G. GRCh37 (hg19) VCF-style: chr14-75515307-T-G.
Other names: c.1052A>C, p.Glu351Ala (NM_014381.3); short protein forms E351A.
Identifiers: ClinVar variation 2448681 (VCV002448681.2), dbSNP rs2503305087, ClinGen allele CA390447772.
Genomic context (GRCh38, chr14:75,048,604, plus strand): 5'-AAACCATTATCTTCACTAAATTCCTTAATATCCTCACCTGATAATTCCACAAATAATTTT[T>G]CTTGCTTTAAAAACATTTTCACTCCTTCCTGAATGCAAAACAAGAGAGTGTCCCAGTTCT-3'
Protein context (NP_001035197.1, residues 341-361): QEGVKMFLKQ[Glu351Ala]KLFVELSGED